The following is an entry in ClinVar:

NM_016320.5(NUP98):c.801A>T (p.Gly267=)

Gene: NUP98 (nucleoporin 98 and 96 precursor; minus strand). Cytogenetic location: 11p15.4.
Variant type: single nucleotide variant.
Coding change: c.801A>T on transcript NM_016320.5 (MANE Select); coding-DNA position 801, A replaced by T.
Protein change: p.Gly267=; no amino-acid change (glycine 267 retained).
Molecular consequence: synonymous variant. On other transcripts: non-coding transcript variant (3).
Genome position (GRCh38, 1-based): chr11:3,768,728, T>A on the plus strand (A>T on the coding strand, the complement: NUP98 is on the minus strand). VCF-style: chr11-3768728-T-A. GRCh37 (hg19) VCF-style: chr11-3789958-T-A.
Other names: c.801A>T, p.Gly267= (NM_001365125.2, NM_001365126.2, NM_001365127.2 and 4 more transcripts); c.774A>T, p.Gly258= (NM_001365128.2).
Identifiers: ClinVar variation 3234327 (VCV003234327.20), dbSNP rs2494397033, ClinGen allele CA472520184.

ClinVar aggregate classification (germline): Likely benign (1 of 4 stars; one submission).

Submission:

CeGaT Center for Human Genetics Tuebingen
Classification: Likely benign. Last evaluated: 2024-03-01. Review status: criteria provided, single submitter. Criteria: CeGaT Center For Human Genetics Tuebingen Variant Classification Criteria Version 2. Collection method: clinical testing. Allele origin: germline. Affected: yes. Observed: 1 variant allele.
Comment: NUP98: PM2:Supporting, BP4, BP7